The following is an entry in ClinVar:

ClinVar aggregate classification (germline): Likely benign (1 of 4 stars; one submission).

Conditions:
Juvenile polyposis syndrome (JPS). Identifiers: Orphanet 2929, MedGen C0345893, MONDO:0017380, OMIM 174900.

Submission:

Myriad Genetics, Inc.
Classification: Likely benign for Juvenile polyposis syndrome. Last evaluated: 2024-07-31. Review status: criteria provided, single submitter. Criteria: Myriad Autosomal Dominant, Autosomal Recessive and X-Linked Classification Criteria (2023). Collection method: clinical testing. Allele origin: unknown.
Comment: This variant is considered likely benign. This variant is intronic and is not expected to impact mRNA splicing.

NM_004329.3(BMPR1A):c.334-18T>C

Gene: BMPR1A (bone morphogenetic protein receptor type 1A; plus strand). Cytogenetic location: 10q23.2.
Variant type: single nucleotide variant.
Coding change: c.334-18T>C on transcript NM_004329.3 (MANE Select); 18 bases into the intron before coding-DNA position 334, T replaced by C.
Molecular consequence: intron variant.
Genome position (GRCh38, 1-based): chr10:86,899,776, T>C. VCF-style: chr10-86899776-T-C. GRCh37 (hg19) VCF-style: chr10-88659533-T-C.
Other names: c.334-18T>C (NM_001406562.1, NM_001406568.1, NM_001406567.1 and 22 more transcripts); c.250-18T>C (NM_001406584.1, NM_001406588.1, NM_001406587.1 and 2 more transcripts); c.333+7547T>C (NM_001406589.1).
Identifiers: ClinVar variation 3378506 (VCV003378506.1).